The following is an entry in ClinVar:

ClinVar aggregate classification (germline): Uncertain significance (1 of 4 stars; one submission).

Conditions:
RAB23-related disorder. Also called: RAB23-related condition.

Submission:

PreventionGenetics, part of Exact Sciences
Classification: Uncertain significance for RAB23-related condition. Last evaluated: 2025-03-19. Review status: criteria provided, single submitter. Criteria: ACMG Guidelines, 2015. Collection method: clinical testing. Allele origin: germline.
Comment: The RAB23 c.449C>T variant is predicted to result in the amino acid substitution p.Thr150Ile. To our knowledge, this variant has not been reported in the literature or in a large population database (gnomAD), indicating this variant is rare. At this time, the clinical significance of this variant is uncertain due to the absence of conclusive functional and genetic evidence.

NM_016277.5(RAB23):c.449C>T (p.Thr150Ile)

Gene: RAB23 (RAB23, member RAS oncogene family; minus strand). Cytogenetic location: 6p12.1.
Variant type: single nucleotide variant.
Coding change: c.449C>T on transcript NM_016277.5 (MANE Select); coding-DNA position 449, C replaced by T.
Protein change: p.Thr150Ile; replaces threonine 150 with isoleucine.
Molecular consequence: missense variant.
Genome position (GRCh38, 1-based): chr6:57,194,802, G>A on the plus strand (C>T on the coding strand, the complement: RAB23 is on the minus strand). VCF-style: chr6-57194802-G-A. GRCh37 (hg19) VCF-style: chr6-57059600-G-A.
Other names: c.449C>T, p.Thr150Ile (NM_001278666.2, NM_001278667.2, NM_001278668.2 and 1 more transcripts); short protein forms T150I.
Identifiers: ClinVar variation 4988118 (VCV004988118.1).